The following is an entry in ClinVar:

NM_000350.3(ABCA4):c.1961G>A (p.Cys654Tyr)

Gene: ABCA4 (ATP binding cassette subfamily A member 4; minus strand). Cytogenetic location: 1p22.1.
Variant type: single nucleotide variant.
Coding change: c.1961G>A on transcript NM_000350.3 (MANE Select); coding-DNA position 1961, G replaced by A.
Protein change: p.Cys654Tyr; replaces cysteine 654 with tyrosine.
Molecular consequence: missense variant.
Genome position (GRCh38, 1-based): chr1:94,060,736, C>T on the plus strand (G>A on the coding strand, the complement: ABCA4 is on the minus strand). VCF-style: chr1-94060736-C-T. GRCh37 (hg19) VCF-style: chr1-94526292-C-T.
Other names: c.1961G>A, p.Cys654Tyr (NM_001425324.1); short protein forms C654Y.
Identifiers: ClinVar variation 2061133 (VCV002061133.4), dbSNP rs2523833294, ClinGen allele CA341278899.

ClinVar aggregate classification (germline): Uncertain significance (1 of 4 stars; one submission).

Submission:

Labcorp Genetics (formerly Invitae), Labcorp
Classification: Uncertain significance. Last evaluated: 2025-05-27. Review status: criteria provided, single submitter. Criteria: Invitae Variant Classification Sherloc (09022015). Collection method: clinical testing. Allele origin: germline.
Comment: This sequence change replaces cysteine, which is neutral and slightly polar, with tyrosine, which is neutral and polar, at codon 654 of the ABCA4 protein (p.Cys654Tyr). This variant is not present in population databases (gnomAD no frequency). This variant has not been reported in the literature in individuals affected with ABCA4-related conditions. ClinVar contains an entry for this variant (Variation ID: 2061133). Invitae Evidence Modeling of protein sequence and biophysical properties (such as structural, functional, and spatial information, amino acid conservation, physicochemical variation, residue mobility, and thermodynamic stability) indicates that this missense variant is expected to disrupt ABCA4 protein function with a positive predictive value of 95%. In summary, the available evidence is currently insufficient to determine the role of this variant in disease. Therefore, it has been classified as a Variant of Uncertain Significance.